The following is an entry in ClinVar:

ClinVar aggregate classification (germline): Conflicting classifications of pathogenicity. Review status: criteria provided, conflicting classifications (1 of 4 stars). 11 submissions from 11 submitters: Uncertain significance (9); Likely benign (1). 1 of the submissions does not count toward it. Last evaluated 2026-07-13.

Conditions:
Mucopolysaccharidosis, MPS-III-A (MPS3A). Also called: SANFILIPPO SYNDROME A; SULFAMIDASE DEFICIENCY; MPS III A; HEPARAN SULFATE SULFATASE DEFICIENCY; Mucopolysaccharidosis, type IIIA; MUCOPOLYSACCHARIDOSIS, TYPE IIIA, ATTENUATED. Identifiers: Orphanet 581, Orphanet 79269, MedGen C0086647, MONDO:0009655, OMIM 252900.
SGSH-related disorder. Also called: SGSH-related condition.

Allele frequency attached by ClinVar (database versions not stated): 1000 Genomes Project 0.00040; 1000 Genomes Project 30x 0.00031; gnomAD 0.00093 and 0.00096; gnomAD exomes 0.00144 and 0.00090; ESP Exome Variant Server 0.00069; ExAC 0.00081; TOPMed 0.00069.
gnomAD v4.1: 2,216 of 1,613,930 alleles (0.14%); highest among the groups gnomAD compares: Non-Finnish European, 0.17%; no homozygotes.

Submissions (11):

PreventionGenetics, part of Exact Sciences
Classification: Uncertain significance for SGSH-related condition. Last evaluated: 2026-07-13. Review status: criteria provided, single submitter. Criteria: ACMG Guidelines, 2015. Collection method: clinical testing. Allele origin: germline.
Comment: The SGSH c.1322G>A variant is predicted to result in the amino acid substitution p.Arg441Gln. To our knowledge, this variant has not been reported in the literature. This variant is reported in 0.13% of alleles in individuals of European (Non-Finnish) descent in gnomAD. Although we suspect that this variant may be benign, at this time, the clinical significance of this variant is uncertain due to the absence of conclusive functional and genetic evidence.

Blueprint Genetics
Classification: Likely benign. Last evaluated: 2024-11-27. Review status: criteria provided, single submitter. Criteria: ACMG Guidelines, 2015. Collection method: clinical testing. Allele origin: germline.

GeneDx
Classification: Uncertain significance. Last evaluated: 2024-02-15. Review status: criteria provided, single submitter. Criteria: GeneDx Variant Classification Process June 2021. Collection method: clinical testing. Allele origin: germline. Affected: yes.
Comment: In silico analysis supports that this missense variant does not alter protein structure/function; Has not been previously published as pathogenic or benign to our knowledge

Department of Pathology and Laboratory Medicine, Sinai Health System
Classification: Uncertain significance for Mucopolysaccharidosis, MPS-III-A. Last evaluated: 2023-10-15. Review status: criteria provided, single submitter. Criteria: ACMG Guidelines, 2015. Collection method: research. Allele origin: germline.

Labcorp Genetics (formerly Invitae), Labcorp
Classification: Uncertain significance for Mucopolysaccharidosis, MPS-III-A. Last evaluated: 2022-10-25. Review status: criteria provided, single submitter. Criteria: Invitae Variant Classification Sherloc (09022015). Collection method: clinical testing. Allele origin: germline.
Comment: This sequence change replaces arginine, which is basic and polar, with glutamine, which is neutral and polar, at codon 441 of the SGSH protein (p.Arg441Gln). This variant is present in population databases (rs142599919, gnomAD 0.1%), and has an allele count higher than expected for a pathogenic variant. This variant has not been reported in the literature in individuals affected with SGSH-related conditions. ClinVar contains an entry for this variant (Variation ID: 891642). Algorithms developed to predict the effect of missense changes on protein structure and function output the following: SIFT: "Tolerated"; PolyPhen-2: "Benign"; Align-GVGD: "Class C0". The glutamine amino acid residue is found in multiple mammalian species, which suggests that this missense change does not adversely affect protein function. In summary, the available evidence is currently insufficient to determine the role of this variant in disease. Therefore, it has been classified as a Variant of Uncertain Significance.

Genome-Nilou Lab
Classification: Uncertain significance for Mucopolysaccharidosis, MPS-III-A. Last evaluated: 2021-11-07. Review status: criteria provided, single submitter. Criteria: ACMG Guidelines, 2015. Collection method: clinical testing. Allele origin: germline. Affected: no.

New York Genome Center
Classification: Uncertain significance for Mucopolysaccharidosis, MPS-III-A. Last evaluated: 2021-08-25. Review status: criteria provided, single submitter. Criteria: NYGC Assertion Criteria 2020. Collection method: clinical testing. Allele origin: germline. Observed: 1 heterozygote. Study: CSER-NYCKidSeq.

Women's Health and Genetics/Laboratory Corporation of America, LabCorp
Classification: Uncertain significance. Last evaluated: 2021-07-15. Review status: criteria provided, single submitter. Criteria: LabCorp Variant Classification Summary - May 2015. Collection method: clinical testing. Allele origin: germline.
Comment: Variant summary: SGSH c.1322G>A (p.Arg441Gln) results in a conservative amino acid change located in the Domain of unknown function DUF4976 (IPR032506) of the encoded protein sequence. Four of five in-silico tools predict a benign effect of the variant on protein function. The variant allele was found at a frequency of 0.0009 in 250012 control chromosomes (gnomAD). This frequency is not higher than expected for a pathogenic variant in SGSH causing Mucopolysaccharidosis Type IIIA (Sanfilippo Syndrome A) (0.0009 vs 0.0032), allowing no conclusion about variant significance. To our knowledge, no occurrence of c.1322G>A in individuals affected with Mucopolysaccharidosis Type IIIA (Sanfilippo Syndrome A) and no experimental evidence demonstrating its impact on protein function have been reported. One clinical diagnostic laboratory has submitted clinical-significance assessments for this variant to ClinVar after 2014 and classified the variant as uncertain significance. Based on the evidence outlined above, the variant was classified as uncertain significance.

Illumina Laboratory Services, Illumina
Classification: Uncertain significance for Mucopolysaccharidosis, MPS-III-A. Last evaluated: 2018-01-13. Review status: criteria provided, single submitter. Criteria: ICSL Variant Classification Criteria 13 December 2019. Collection method: clinical testing. Allele origin: germline.

Breakthrough Genomics
Classification: Uncertain significance. Review status: criteria provided, single submitter. Criteria: ACMG Guidelines, 2015. Collection method: not provided. Allele origin: germline. Inheritance: Autosomal recessive inheritance. Affected: yes.

Natera, Inc.
Classification: Uncertain significance for Mucopolysaccharidosis type IIIA. Last evaluated: 2020-01-07. Review status: no assertion criteria provided. Collection method: clinical testing. Allele origin: germline. Not counted in ClinVar's aggregate classification.

NM_000199.5(SGSH):c.1322G>A (p.Arg441Gln)

Gene: SGSH (N-sulfoglucosamine sulfohydrolase; minus strand). Cytogenetic location: 17q25.3.
Variant type: single nucleotide variant.
Coding change: c.1322G>A on transcript NM_000199.5 (MANE Select); coding-DNA position 1322, G replaced by A.
Protein change: p.Arg441Gln; replaces arginine 441 with glutamine.
Molecular consequence: missense variant. On other transcripts: 3 prime UTR variant (2), non-coding transcript variant (1).
Genome position (GRCh38, 1-based): chr17:80,210,639, C>T on the plus strand (G>A on the coding strand, the complement: SGSH is on the minus strand). VCF-style: chr17-80210639-C-T. GRCh37 (hg19) VCF-style: chr17-78184438-C-T.
Other names: c.*409G>A (NM_001352921.3); c.*372G>A (NM_001352922.2); short protein forms R441Q.
Identifiers: ClinVar variation 891642 (VCV000891642.19), dbSNP rs142599919, ClinGen allele CA8817612.